The following is an entry in ClinVar:

ClinVar aggregate classification (germline): Uncertain significance. Review status: criteria provided, multiple submitters, no conflicts (2 of 4 stars). 2 submissions from 2 submitters: Uncertain significance (2). Last evaluated 2024-09-10.

Allele frequency attached by ClinVar (database versions not stated): ExAC 0.00013.
gnomAD v4.1: 80 of 1,609,408 alleles (0.005%); highest among the groups gnomAD compares: South Asian, 0.047%; 1 homozygote.

Submissions (2):

Blueprint Genetics
Classification: Uncertain significance. Last evaluated: 2024-09-10. Review status: criteria provided, single submitter. Criteria: ACMG Guidelines, 2015. Collection method: clinical testing. Allele origin: germline.

Labcorp Genetics (formerly Invitae), Labcorp
Classification: Uncertain significance. Last evaluated: 2022-09-29. Review status: criteria provided, single submitter. Criteria: Invitae Variant Classification Sherloc (09022015). Collection method: clinical testing. Allele origin: germline.
Comment: This sequence change replaces arginine, which is basic and polar, with cysteine, which is neutral and slightly polar, at codon 20 of the ARPC1B protein (p.Arg20Cys). This variant is present in population databases (rs750614736, gnomAD 0.04%), including at least one homozygous and/or hemizygous individual. This variant has not been reported in the literature in individuals affected with ARPC1B-related conditions. ClinVar contains an entry for this variant (Variation ID: 1497895). Advanced modeling of protein sequence and biophysical properties (such as structural, functional, and spatial information, amino acid conservation, physicochemical variation, residue mobility, and thermodynamic stability) performed at Invitae indicates that this missense variant is not expected to disrupt ARPC1B protein function. In summary, the available evidence is currently insufficient to determine the role of this variant in disease. Therefore, it has been classified as a Variant of Uncertain Significance.

NM_005720.4(ARPC1B):c.58C>T (p.Arg20Cys)

Gene: ARPC1B (actin related protein 2/3 complex subunit 1B; plus strand). Cytogenetic location: 7q22.1.
Variant type: single nucleotide variant.
Coding change: c.58C>T on transcript NM_005720.4 (MANE Select); coding-DNA position 58, C replaced by T.
Protein change: p.Arg20Cys; replaces arginine 20 with cysteine.
Molecular consequence: missense variant.
Genome position (GRCh38, 1-based): chr7:99,385,772, C>T. VCF-style: chr7-99385772-C-T. GRCh37 (hg19) VCF-style: chr7-98983395-C-T.
Other names: short protein forms R20C.
Identifiers: ClinVar variation 1497895 (VCV001497895.4), dbSNP rs750614736, ClinGen allele CA4363860.
Genomic context (GRCh38, chr7:99,385,772, plus strand): 5'-GCCATGGCCTACCACAGCTTCCTGGTGGAGCCCATCAGCTGCCACGCCTGGAACAAGGAC[C>T]GCACCCGTGAGTGCTTGCTGGGGGCCGGTGGGTGGCTGCTTCCACCTCCTGGGATGGGGA-3'
Protein context (NP_005711.1, residues 10-30): PISCHAWNKD[Arg20Cys]TQIAICPNNH